The following is an entry in ClinVar:

NM_177972.3(TUB):c.254-2A>T

Genes: RIC3 (RIC3 acetylcholine receptor chaperone; minus strand), TUB (TUB bipartite transcription factor; plus strand). Cytogenetic location: 11p15.4.
Variant type: single nucleotide variant.
Coding change: c.254-2A>T on transcript NM_177972.3 (MANE Select); the canonical splice acceptor site of the intron before coding-DNA position 254, A replaced by T.
Molecular consequence: splice acceptor variant. On other transcripts: non-coding transcript variant (1).
Genome position (GRCh38, 1-based): chr11:8,094,044, A>T. VCF-style: chr11-8094044-A-T. GRCh37 (hg19) VCF-style: chr11-8115591-A-T.
Other names: c.272-2A>T (NM_001440538.1, NM_001440539.1, NM_001440540.1 and 1 more transcripts); c.419-2A>T (NM_003320.5); c.254-2A>T (NM_001440541.1).
Identifiers: ClinVar variation 5000003 (VCV005000003.1).

ClinVar aggregate classification (germline): Uncertain significance (1 of 4 stars; one submission).

Conditions:
TUB-related disorder. Also called: TUB-related condition.

Submission:

PreventionGenetics, part of Exact Sciences
Classification: Uncertain significance for TUB-related condition. Last evaluated: 2025-07-30. Review status: criteria provided, single submitter. Criteria: ACMG Guidelines, 2015. Collection method: clinical testing. Allele origin: germline.
Comment: The TUB c.419-2A>T variant is predicted to disrupt the AG splice acceptor site and interfere with normal splicing. To our knowledge, this variant has not been reported in the literature or in a large population database (gnomAD), indicating this variant is rare. At this time, the clinical significance of this variant is uncertain due to the absence of conclusive functional and genetic evidence.